The following is an entry in ClinVar:

ClinVar aggregate classification (germline): Uncertain significance (1 of 4 stars; one submission).

Conditions:
Nemaline myopathy 6 (NEM6). Also called: Nemaline myopathy 6, autosomal dominant. Identifiers: Orphanet 171439, MedGen C1836472, MONDO:0012237, OMIM 609273.

Allele frequency attached by ClinVar (database versions not stated): gnomAD 0.00001.

Submission:

Labcorp Genetics (formerly Invitae), Labcorp
Classification: Uncertain significance for Nemaline myopathy 6. Last evaluated: 2023-12-14. Review status: criteria provided, single submitter. Criteria: Invitae Variant Classification Sherloc (09022015). Collection method: clinical testing. Allele origin: germline.
Comment: This sequence change replaces aspartic acid, which is acidic and polar, with glutamic acid, which is acidic and polar, at codon 120 of the KBTBD13 protein (p.Asp120Glu). This variant is present in population databases (no rsID available, gnomAD 0.01%). This variant has not been reported in the literature in individuals affected with KBTBD13-related conditions. Advanced modeling of protein sequence and biophysical properties (such as structural, functional, and spatial information, amino acid conservation, physicochemical variation, residue mobility, and thermodynamic stability) performed at Invitae indicates that this missense variant is not expected to disrupt KBTBD13 protein function with a negative predictive value of 80%. In summary, the available evidence is currently insufficient to determine the role of this variant in disease. Therefore, it has been classified as a Variant of Uncertain Significance.

NM_001101362.3(KBTBD13):c.360C>G (p.Asp120Glu)

Gene: KBTBD13 (kelch repeat and BTB domain containing 13; plus strand). Cytogenetic location: 15q22.31.
Variant type: single nucleotide variant.
Coding change: c.360C>G on transcript NM_001101362.3 (MANE Select); coding-DNA position 360, C replaced by G.
Protein change: p.Asp120Glu; replaces aspartic acid 120 with glutamic acid.
Molecular consequence: missense variant.
Genome position (GRCh38, 1-based): chr15:65,077,175, C>G. VCF-style: chr15-65077175-C-G. GRCh37 (hg19) VCF-style: chr15-65369513-C-G.
Other names: short protein forms D120E.
Identifiers: ClinVar variation 2788009 (VCV002788009.3), dbSNP rs1221442276, ClinGen allele CA392860136.